The following is an entry in ClinVar:

NM_032043.3(BRIP1):c.646A>G (p.Arg216Gly)

Gene: BRIP1 (BRCA1 interacting DNA helicase 1; minus strand). Cytogenetic location: 17q23.2.
Variant type: single nucleotide variant.
Coding change: c.646A>G on transcript NM_032043.3 (MANE Select); coding-DNA position 646, A replaced by G.
Protein change: p.Arg216Gly; replaces arginine 216 with glycine.
Molecular consequence: missense variant.
Genome position (GRCh38, 1-based): chr17:61,808,739, T>C on the plus strand (A>G on the coding strand, the complement: BRIP1 is on the minus strand). VCF-style: chr17-61808739-T-C. GRCh37 (hg19) VCF-style: chr17-59886100-T-C.
Other names: short protein forms R216G.
Identifiers: ClinVar variation 854405 (VCV000854405.10), dbSNP rs2078116990, ClinGen allele CA400485217.

ClinVar aggregate classification (germline): Uncertain significance (1 of 4 stars; one submission).

Conditions:
Familial cancer of breast. Also called: hereditary breast carcinoma; BREAST CANCER, FAMILIAL; Hereditary breast cancer. Identifiers: Orphanet 227535, MedGen C0346153, MONDO:0016419, OMIM 114480. Disease mechanism: loss of function.
Fanconi anemia complementation group J. Also called: BRIP1-Related Fanconi Anemia. Identifiers: Orphanet 84, MedGen C1836860, MONDO:0012187, OMIM 609054.

Submission:

Labcorp Genetics (formerly Invitae), Labcorp
Classification: Uncertain significance for Familial cancer of breast; Fanconi anemia complementation group J. Last evaluated: 2022-09-20. Review status: criteria provided, single submitter. Criteria: Invitae Variant Classification Sherloc (09022015). Collection method: clinical testing. Allele origin: germline.
Comment: In summary, the available evidence is currently insufficient to determine the role of this variant in disease. Therefore, it has been classified as a Variant of Uncertain Significance. Algorithms developed to predict the effect of sequence changes on RNA splicing suggest that this variant may disrupt the consensus splice site. Advanced modeling of protein sequence and biophysical properties (such as structural, functional, and spatial information, amino acid conservation, physicochemical variation, residue mobility, and thermodynamic stability) performed at Invitae indicates that this missense variant is not expected to disrupt BRIP1 protein function. ClinVar contains an entry for this variant (Variation ID: 854405). This variant has not been reported in the literature in individuals affected with BRIP1-related conditions. This variant is not present in population databases (gnomAD no frequency). This sequence change replaces arginine, which is basic and polar, with glycine, which is neutral and non-polar, at codon 216 of the BRIP1 protein (p.Arg216Gly).